The following is an entry in ClinVar:

ClinVar aggregate classification (germline): Conflicting classifications of pathogenicity. Review status: criteria provided, conflicting classifications (1 of 4 stars). 8 submissions from 8 submitters: Uncertain significance (2); Benign (1); Likely benign (5). Last evaluated 2024-05-06.

Conditions:
CFTR-related disorder (CFTR-RD). Also called: CFTR-related disorders; CFTR-related condition. Identifiers: MedGen C5924204, MONDO:7770004.
Cystic fibrosis (CF). Also called: MUCOVISCIDOSIS. Identifiers: Orphanet 586, MedGen C0010674, MONDO:0009061, OMIM 219700. Disease mechanism: loss of function.

Submissions (8):

Labcorp Genetics (formerly Invitae), Labcorp
Classification: Likely benign for Cystic fibrosis. Last evaluated: 2024-05-06. Review status: criteria provided, single submitter. Criteria: Invitae Variant Classification Sherloc (09022015). Collection method: clinical testing. Allele origin: germline.

Genome-Nilou Lab
Classification: Likely benign for Cystic fibrosis. Last evaluated: 2021-07-22. Review status: criteria provided, single submitter. Criteria: ACMG Guidelines, 2015. Collection method: clinical testing. Allele origin: germline. Affected: no.

Mayo Clinic Laboratories, Mayo Clinic
Classification: Likely benign. Last evaluated: 2019-03-28. Review status: criteria provided, single submitter. Criteria: ACMG Guidelines, 2015. Collection method: clinical testing. Allele origin: germline. Observed: 380 variant alleles.

Women's Health and Genetics/Laboratory Corporation of America, LabCorp
Classification: Likely benign. Last evaluated: 2018-06-07. Review status: criteria provided, single submitter. Criteria: LabCorp Variant Classification Summary - May 2015. Collection method: clinical testing. Allele origin: germline.
Comment: Variant summary: CFTR c.1365G>T (p.Ala455Ala) alters a non-conserved nucleotide resulting in a synonymous change in exon 10 of the gene. 5/5 computational tools predict no significant impact on normal splicing. However, these predictions have yet to be confirmed by functional studies. The variant allele was found at a frequency of 0.0071 in 238136 control chromosomes (in gnomAD). The observed variant frequency in the African (0.02640) and European Finnish (0.02228) subpopulations was roughly 2-fold of the expected for a pathogenic variant in CFTR causing Cystic Fibrosis (0.013). Furthermore, the variant allele was indicated to be found with an even higher occurrence in the Japanese control population (in HGVD); i.e. with a frequency of 0.1348 (including 19 homozygotes), that would suggest this variant is likely a benign polymorphism. However, CFTR exon 10 and its flanking regions are known to have sequence identity with similar sequences in the human genome (that are located on several other chromosomes), therefore variants described in this exon could be variations observed in ectopic similar sequences. Previous reports also suggested that several variants described in exon 10 and its flanking regions may in fact be ectopic variations (PMID: 23261175, 25956447). As the technology utilized for genomic databases does not rule out pseudogene interference in this region, these data may not be reliable for assessing variant frequency. To our knowledge, no occurrence of c.1365G>T in individuals affected with Cystic Fibrosis and no experimental evidence demonstrating its impact on protein function have been reported. Two clinical diagnostic laboratories have submitted clinical-significance assessments for this variant to ClinVar after 2014 without evidence for independent evaluation. One laboratory classified the variant as likely benign, and one laboratory classified the variant as uncertain significance. Another variant, c.1365G>A, that affects the same nucleotide and leads to the same codon effect (p.Ala455Ala) was classified as likely benign by our laboratory. Based on the evidence outlined above, the variant of interest was classified as likely benign.

Ambry Genetics
Classification: Likely benign for Cystic fibrosis. Last evaluated: 2017-07-03. Review status: criteria provided, single submitter. Criteria: Ambry Variant Classification Scheme 2023. Collection method: clinical testing. Allele origin: germline.

Illumina Laboratory Services, Illumina
Classification: Uncertain significance for CFTR-Related Disorders. Last evaluated: 2017-04-27. Review status: criteria provided, single submitter. Criteria: ICSL Variant Classification Criteria 13 December 2019. Collection method: clinical testing. Allele origin: germline.

Eurofins Ntd Llc (ga)
Classification: Uncertain significance. Last evaluated: 2016-01-12. Review status: criteria provided, single submitter. Criteria: EGL Classification Definitions 2015. Collection method: clinical testing. Allele origin: germline. Observed: 18 variant alleles, 9 heterozygotes.

Laboratory for Molecular Medicine, Mass General Brigham Personalized Medicine
Classification: Benign. Last evaluated: 2015-02-16. Review status: criteria provided, single submitter. Criteria: ACMG Guidelines, 2015. Collection method: clinical testing. Allele origin: germline.
Comment: p.Ala455Ala in exon 10 of CFTR: This variant is not expected to have clinical significance because it does not alter an amino acid residue and is not located within the splice consensus sequence. It has been identified in 62/85992 of chromosomes across several diverse populations by the Exome Aggregation Consortium (ExAC; dbSNP rs79074685).

NM_000492.4(CFTR):c.1365G>T (p.Ala455=)

Genes: CFTR (CF transmembrane conductance regulator; plus strand), CFTR-AS1 (CFTR antisense RNA 1; minus strand). Cytogenetic location: 7q31.2.
Variant type: single nucleotide variant.
Coding change: c.1365G>T on transcript NM_000492.4 (MANE Select); coding-DNA position 1365, G replaced by T.
Protein change: p.Ala455=; no amino-acid change (alanine 455 retained).
Molecular consequence: synonymous variant.
Genome position (GRCh38, 1-based): chr7:117,548,796, G>T. VCF-style: chr7-117548796-G-T. GRCh37 (hg19) VCF-style: chr7-117188850-G-T.
Other names: p.Ala455=.
Identifiers: ClinVar variation 193593 (VCV000193593.25), dbSNP rs79074685, ClinGen allele CA239132.